The following is an entry in ClinVar:

ClinVar aggregate classification (germline): Uncertain significance (1 of 4 stars; one submission).

Conditions:
GOLGA4-related disorder. Also called: GOLGA4-related condition.

Submission:

PreventionGenetics, part of Exact Sciences
Classification: Uncertain significance for GOLGA4-related condition. Last evaluated: 2026-04-08. Review status: criteria provided, single submitter. Criteria: ACMG Guidelines, 2015. Collection method: clinical testing. Allele origin: germline.
Comment: The GOLGA4 c.1460_1462delAGG variant is predicted to result in an in-frame deletion (p.Glu487del). To our knowledge, this variant has not been reported in the literature or in a large population database (gnomAD), indicating this variant is rare. At this time, the clinical significance of this variant is uncertain due to the absence of conclusive functional and genetic evidence.

NM_002078.5(GOLGA4):c.1391AGG[1] (p.Glu465del)

Gene: GOLGA4 (golgin A4; plus strand). Cytogenetic location: 3p22.2.
Variant type: Microsatellite.
Coding change: c.1391AGG[1] on transcript NM_002078.5 (MANE Select); one copy of the 3-base unit AGG starting at c.1391; the reference has two copies in a row; one copy, 3 bases deleted.
Protein change: p.Glu465del; deletes glutamic acid 465.
Molecular consequence: inframe deletion.
Genome position (GRCh38, 1-based): chr3:37,315,579-37,315,581, AGG deleted; deleting any 3 consecutive bases within chr3:37,315,576-37,315,581 gives the same sequence; the position shown is the placement nearest the transcript's 3' end. VCF-style (leftmost placement, unchanged base first): chr3-37315575-CAGG-C. GRCh37 (hg19) VCF-style: chr3-37357066-CAGG-C.
Other names: c.1457AGG[1], p.Glu487del (NM_001172713.3, NM_001410721.2, NM_001429191.1); c.1508AGG[1], p.Glu504del (NM_001429190.1); c.1343AGG[1], p.Glu449del (NM_001429193.1); c.1409AGG[1], p.Glu471del (NM_001429196.1, NM_001429198.1); c.1391AGG[1], p.Glu465del (NM_001429201.1); c.1352AGG[1], p.Glu452del (NM_001429202.1); short protein forms E449del, E452del, E504del, E471del, E487del, E465del.
Identifiers: ClinVar variation 4983723 (VCV004983723.1).